The following is an entry in ClinVar:

GRCh38/hg38 7q35-36.3(chr7:147250465-159325876)x1

Genes: ABCB8 (ATP binding cassette subfamily B member 8; plus strand), ABCF2 (ATP binding cassette subfamily F member 2; minus strand), ABCF2-H2BK1 (ABCF2-H2BK1 readthrough; minus strand), ACTR3B (actin related protein 3B; plus strand), ACTR3C (actin related protein 3C; minus strand) and 523 more. Cytogenetic location: 7q35-36.3.
Variant type: copy number loss.
Change: copy number 1 (one copy instead of two) of chr7:147,250,465-159,325,876 (12.08 Mb, GRCh38 coordinates, 1-based), cytogenetic band 7q35-36.3.
Identifiers: ClinVar variation 57408 (VCV000057408.1).

ClinVar aggregate classification (germline): Pathogenic (1 of 4 stars; one submission).

Submission:

ISCA site 4
Classification: Pathogenic. Last evaluated: 2011-08-12. Review status: criteria provided, single submitter. Criteria: Kaminsky et al. (Genet Med. 2011). Collection method: clinical testing. Allele origin: unknown. Affected: yes. Observed: 1 variant allele.
Comment: Copy number variation identified through the course of routine clinical cytogenomic testing in postnatal populations. Clinical assertions have been curated as described in Kaminsky et al. 2011.